The following is an entry in ClinVar:

ClinVar aggregate classification (germline): Pathogenic. Review status: criteria provided, multiple submitters, no conflicts (2 of 4 stars). 3 submissions from 3 submitters: Pathogenic (3). Last evaluated 2024-01-23.
ClinVar aggregate classification (oncogenicity): Likely oncogenic (1 of 4 stars; one submission).

Conditions:
Hereditary cancer-predisposing syndrome. Also called: Neoplastic Syndromes, Hereditary; Tumor predisposition; Hereditary Cancer Syndrome; Hereditary neoplastic syndrome. Identifiers: Orphanet 140162, MedGen C0027672, MeSH D009386, MONDO:0015356.
Ataxia-telangiectasia syndrome (AT). Also called: LOUIS-BAR SYNDROME; Cerebello-oculocutaneous telangiectasia; Immunodeficiency with ataxia telangiectasia; Ataxia-telangiectasia, complementation group D; AT, COMPLEMENTATION GROUP C; ATAXIA-TELANGIECTASIA, COMPLEMENTATION GROUP A. Identifiers: Orphanet 100, MedGen C0004135, MONDO:0008840, OMIM 208900.
Familial cancer of breast. Also called: BREAST CANCER, FAMILIAL; Hereditary breast cancer; hereditary breast carcinoma. Identifiers: Orphanet 227535, MedGen C0346153, MONDO:0016419, OMIM 114480. Disease mechanism: loss of function.
Neoplasm. Also called: tumor; Neoplasms; Neoplasm (disease). Identifiers: MedGen C0027651, MeSH D009369, MONDO:0005070, HP:0002664.

Submissions (4):

Center for Genomic Medicine, Rigshospitalet, Copenhagen University Hospital
Classification: Likely oncogenic for Neoplasm. Last evaluated: 2025-03-04. Review status: criteria provided, single submitter. Criteria: ClinGen/CGC/VICC Guidelines for Oncogenicity, 2022. Collection method: clinical testing. Allele origin: somatic. Affected: yes.

Myriad Genetics, Inc.
Classification: Pathogenic for Familial cancer of breast. Last evaluated: 2024-01-23. Review status: criteria provided, single submitter. Criteria: Myriad Autosomal Dominant, Autosomal Recessive and X-Linked Classification Criteria (2023). Collection method: clinical testing. Allele origin: unknown.
Comment: This variant is considered pathogenic. This variant creates a termination codon and is predicted to result in premature protein truncation.

Labcorp Genetics (formerly Invitae), Labcorp
Classification: Pathogenic for Ataxia-telangiectasia syndrome. Last evaluated: 2023-10-05. Review status: criteria provided, single submitter. Criteria: Invitae Variant Classification Sherloc (09022015). Collection method: clinical testing. Allele origin: germline.
Comment: This sequence change creates a premature translational stop signal (p.Gln1276*) in the ATM gene. It is expected to result in an absent or disrupted protein product. Loss-of-function variants in ATM are known to be pathogenic (PMID: 23807571, 25614872). This variant is not present in population databases (gnomAD no frequency). This variant has not been reported in the literature in individuals affected with ATM-related conditions. ClinVar contains an entry for this variant (Variation ID: 1735304). For these reasons, this variant has been classified as Pathogenic.

Ambry Genetics
Classification: Pathogenic for Hereditary cancer-predisposing syndrome. Last evaluated: 2020-06-08. Review status: criteria provided, single submitter. Criteria: Ambry Variant Classification Scheme 2023. Collection method: clinical testing. Allele origin: germline.
Comment: The p.Q1276* pathogenic mutation (also known as c.3826C>T), located in coding exon 25 of the ATM gene, results from a C to T substitution at nucleotide position 3826. This changes the amino acid from a glutamine to a stop codon within coding exon 25. This variant was not reported in population-based cohorts in the Genome Aggregation Database (gnomAD). This alteration is expected to result in loss of function by premature protein truncation or nonsense-mediated mRNA decay. As such, this alteration is interpreted as a disease-causing mutation.

Literature cited by the submitters: PubMed 16603769 (cited by Center for Genomic Medicine, Rigshospitalet, Copenhagen University Hospital); PubMed 23807571 (cited by Labcorp Genetics (formerly Invitae), Labcorp); PubMed 25614872 (cited by Labcorp Genetics (formerly Invitae), Labcorp).

NM_000051.4(ATM):c.3826C>T (p.Gln1276Ter)

Gene: ATM (ATM serine/threonine kinase; plus strand). Cytogenetic location: 11q22.3.
Variant type: single nucleotide variant.
Coding change: c.3826C>T on transcript NM_000051.4 (MANE Select); coding-DNA position 3826, C replaced by T.
Protein change: p.Gln1276Ter; replaces glutamine 1276 with a stop codon.
Molecular consequence: nonsense.
Genome position (GRCh38, 1-based): chr11:108,284,306, C>T. VCF-style: chr11-108284306-C-T. GRCh37 (hg19) VCF-style: chr11-108155033-C-T.
Other names: c.3826C>T, p.Gln1276Ter (NM_001351834.2); short protein forms Q1276*.
Identifiers: ClinVar variation 1735304 (VCV001735304.7), dbSNP rs1364609203, ClinGen allele CA382524925.